The following is an entry in ClinVar:

ClinVar aggregate classification (germline): Benign (0 of 4 stars; one submission).

Conditions:
ZCCHC12-related disorder. Also called: ZCCHC12-related condition.

Allele frequency attached by ClinVar (database versions not stated): gnomAD exomes 0.00421; ExAC 0.01342; gnomAD 0.03239; TOPMed 0.03860; ESP Exome Variant Server 0.03948; 1000 Genomes Project 0.04238; 1000 Genomes Project 30x 0.04454.

Submission:

PreventionGenetics, part of Exact Sciences
Classification: Benign for ZCCHC12-related condition. Last evaluated: 2019-06-11. Review status: no assertion criteria provided. Collection method: clinical testing. Allele origin: germline.
Comment: This variant is classified as benign based on ACMG/AMP sequence variant interpretation guidelines (Richards et al. 2015 PMID: 25741868, with internal and published modifications).

NM_173798.4(ZCCHC12):c.837G>A (p.Leu279=)

Gene: ZCCHC12 (zinc finger CCHC-type containing 12; plus strand). Cytogenetic location: Xq24.
Variant type: single nucleotide variant.
Coding change: c.837G>A on transcript NM_173798.4 (MANE Select); coding-DNA position 837, G replaced by A.
Protein change: p.Leu279=; no amino-acid change (leucine 279 retained).
Molecular consequence: synonymous variant.
Genome position (GRCh38, 1-based): chrX:118,826,081, G>A. VCF-style: chrX-118826081-G-A. GRCh37 (hg19) VCF-style: chrX-117960044-G-A.
Other names: c.837G>A, p.Leu279= (NM_001312891.2).
Identifiers: ClinVar variation 3057211 (VCV003057211.2), dbSNP rs60448399, ClinGen allele CA10500326.